The following is an entry in ClinVar:

NM_004463.3(FGD1):c.747G>A (p.Ser249=)

Gene: FGD1 (FYVE, RhoGEF and PH domain containing 1; minus strand). Cytogenetic location: Xp11.22.
Variant type: single nucleotide variant.
Coding change: c.747G>A on transcript NM_004463.3 (MANE Select); coding-DNA position 747, G replaced by A.
Protein change: p.Ser249=; no amino-acid change (serine 249 retained).
Molecular consequence: synonymous variant.
Genome position (GRCh38, 1-based): chrX:54,470,370, C>T on the plus strand (G>A on the coding strand, the complement: FGD1 is on the minus strand). VCF-style: chrX-54470370-C-T. GRCh37 (hg19) VCF-style: chrX-54496803-C-T.
Identifiers: ClinVar variation 3046847 (VCV003046847.3), dbSNP rs758566006, ClinGen allele CA516689438.
Genomic context (GRCh38, chrX:54,470,370, plus strand): 5'-AGCCAGCAGAAACAGGCAGCGGGAGGCCTCACCCTCGGGGAGCTGGGGCACTGGTGGCTG[C>T]GAGGTTGGCTGTGGCAACATGACTGGCTCTGGGGGACCTGGGCTGGGGCCAGGGACTGGT-3'
Protein context (NP_004454.2, residues 239-259): PEPVMLPQPT[Ser249=]QPPVPQLPEG

ClinVar aggregate classification (germline): Likely benign. Review status: criteria provided, single submitter (1 of 4 stars). 2 submissions from 2 submitters: Likely benign (1). 1 of the submissions does not count toward it. Last evaluated 2025-10-22.

Conditions:
FGD1-related disorder. Also called: FGD1-related disorders; FGD1-related condition.

gnomAD v4.1: 5 of 1,209,555 alleles (0.00041%); highest among the groups gnomAD compares: Non-Finnish European, 0.00056%; no homozygotes.

Submissions (2):

Labcorp Genetics (formerly Invitae), Labcorp
Classification: Likely benign. Last evaluated: 2025-10-22. Review status: criteria provided, single submitter. Criteria: Invitae Variant Classification Sherloc (09022015). Collection method: clinical testing. Allele origin: germline.

PreventionGenetics, part of Exact Sciences
Classification: Likely benign for FGD1-related condition. Last evaluated: 2019-04-09. Review status: no assertion criteria provided. Collection method: clinical testing. Allele origin: germline. Not counted in ClinVar's aggregate classification.
Comment: This variant is classified as likely benign based on ACMG/AMP sequence variant interpretation guidelines (Richards et al. 2015 PMID: 25741868, with internal and published modifications).